The following is an entry in ClinVar:

ClinVar aggregate classification (germline): Conflicting classifications of pathogenicity. Review status: criteria provided, conflicting classifications (1 of 4 stars). 5 submissions from 5 submitters: Pathogenic (1); Likely pathogenic (2); Uncertain significance (2). Last evaluated 2025-12-28.

Conditions:
ALPL-related disorder. Also called: ALPL-related disorders; ALPL-related condition.
Hypophosphatasia. Also called: Phosphoethanol-aminuria. Identifiers: Orphanet 436, MedGen C0020630, MeSH D007014, MONDO:0018570.

Allele frequency attached by ClinVar (database versions not stated): gnomAD exomes below 0.00001; TOPMed below 0.00001; gnomAD 0.00001.
gnomAD v4.1: 1 of 1,613,708 alleles (0.000062%); highest among the groups gnomAD compares: Non-Finnish European, 0.000085%; no homozygotes.

Submissions (5):

Labcorp Genetics (formerly Invitae), Labcorp
Classification: Pathogenic. Last evaluated: 2025-12-28. Review status: criteria provided, single submitter. Criteria: Invitae Variant Classification Sherloc (09022015). Collection method: clinical testing. Allele origin: germline.
Comment: This sequence change replaces glycine, which is neutral and non-polar, with aspartic acid, which is acidic and polar, at codon 397 of the ALPL protein (p.Gly397Asp). This variant is present in population databases (no rsID available, gnomAD 0.0009%). This missense change has been observed in individual(s) with hypophosphatasia (PMID: 25731960, 28401263; external communication, internal data). ClinVar contains an entry for this variant (Variation ID: 1303082). An algorithm developed to predict the effect of missense changes on protein structure and function (PolyPhen-2) suggests that this variant is likely to be disruptive. For these reasons, this variant has been classified as Pathogenic.

Genomenon, Inc
Classification: Likely pathogenic for Hypophosphatasia. Last evaluated: 2025-08-29. Review status: criteria provided, single submitter. Criteria: Genomenon Sequence Variant Interpretation Standards. Collection method: curation. Allele origin: germline. Affected: yes.
Comment: ALPL p.Gly397Asp (c.1190G>A) is a missense variant that changes the amino acid at residue 397 from Glycine to Aspartic acid. This variant has been observed in at least one proband affected with hypophosphatasia (PMID:25731960;28401263). It is absent or not present at a significant frequency in gnomAD. In silico models agree that this variant is possibly or probably damaging. In conclusion, we classify ALPL p.Gly397Asp (c.1190G>A) as a likely pathogenic variant.

Women's Health and Genetics/Laboratory Corporation of America, LabCorp
Classification: Uncertain significance. Last evaluated: 2023-08-30. Review status: criteria provided, single submitter. Criteria: LabCorp Variant Classification Summary - May 2015. Collection method: clinical testing. Allele origin: germline.
Comment: Variant summary: ALPL c.1190G>A (p.Gly397Asp) results in a non-conservative amino acid change located in the Crown domain (Xiao_2022) of the encoded protein sequence. Five of five in-silico tools predict a damaging effect of the variant on protein function. In addition, this variant disrupts the first nucleotide of exon 11, and therefore can affect splicing. Consensus agreement among computation tools predict no significant impact on normal splicing. However, these predictions have yet to be confirmed by functional studies. The variant allele was found at a frequency of 4e-06 in 251396 control chromosomes (i.e., 1 heterozygote; gnomAD v2.1 Exomes dataset). The available data on variant occurrences in the general population are insufficient to allow any conclusion about variant significance. c.1190G>A has been reported in the literature as a compound heterozygous genotype in at least one individual with mild childhood hypophosphatasia (e.g., Whyte_2015), as a non-informative genotype (second allele not specified) in one individual with odonto hypophosphatasia (e.g., Whyte_2015) and as a non-informative genotype (second allele not specified) in one adult with persistent hypophosphatasia (e.g., McKiernan_2017). These data do not allow any conclusion about variant significance in association with autosomal dominant or recessive disease. To our knowledge, no experimental evidence demonstrating an impact on protein function has been reported. The following publications have been ascertained in the context of this evaluation (PMID: 25731960, 28401263, 35320273). Two submitters have reported clinical-significance assessments for this variant to ClinVar after 2014. One submitter classified the variant as likely pathogenic, and one submitter classified the variant as uncertain significance. Based on the evidence outlined above, the variant was classified as uncertain significance.

GeneDx
Classification: Uncertain significance. Last evaluated: 2019-08-26. Review status: criteria provided, single submitter. Criteria: GeneDx Variant Classification Process June 2021. Collection method: clinical testing. Allele origin: germline. Affected: yes.
Comment: Not observed at a significant frequency in large population cohorts (Lek et al., 2016); In silico analysis, which includes protein predictors and evolutionary conservation, supports a deleterious effect; Missense variants in nearby residues have been reported in association with hypophosphatasia in the Human Gene Mutation Database (Stenson et al., 2014).; This variant is associated with the following publications: (PMID: 28401263, 25731960)

Blueprint Genetics
Classification: Likely pathogenic for ALPL-related disorders. Last evaluated: 2019-05-28. Review status: criteria provided, single submitter. Criteria: ACMG Guidelines, 2015. Collection method: clinical testing. Allele origin: germline. Affected: yes. Observed: 1 variant allele.

Literature cited by the submitters: PubMed 25731960 (cited by 3 submitters); PubMed 28401263 (cited by 3 submitters); PubMed 35320273 (cited by Women's Health and Genetics/Laboratory Corporation of America, LabCorp).

NM_000478.6(ALPL):c.1190G>A (p.Gly397Asp)

Gene: ALPL (alkaline phosphatase, biomineralization associated; plus strand). Cytogenetic location: 1p36.12.
Variant type: single nucleotide variant.
Coding change: c.1190G>A on transcript NM_000478.6 (MANE Select); coding-DNA position 1190, G replaced by A.
Protein change: p.Gly397Asp; replaces glycine 397 with aspartic acid.
Molecular consequence: missense variant.
Genome position (GRCh38, 1-based): chr1:21,576,522, G>A. VCF-style: chr1-21576522-G-A. GRCh37 (hg19) VCF-style: chr1-21903015-G-A.
Other names: c.1025G>A, p.Gly342Asp (NM_001127501.4); c.959G>A, p.Gly320Asp (NM_001177520.3); c.1190G>A, p.Gly397Asp (NM_001369803.2, NM_001369804.2, NM_001369805.2); short protein forms G320D, G342D, G397D.
Identifiers: ClinVar variation 1303082 (VCV001303082.11), dbSNP rs1400042777, ClinGen allele CA338881624.